The following is an entry in ClinVar:

NM_005045.4(RELN):c.4864C>T (p.Arg1622Ter)

Gene: RELN (reelin; minus strand). Cytogenetic location: 7q22.1.
Variant type: single nucleotide variant.
Coding change: c.4864C>T on transcript NM_005045.4 (MANE Select); coding-DNA position 4864, C replaced by T.
Protein change: p.Arg1622Ter; replaces arginine 1622 with a stop codon.
Molecular consequence: nonsense.
Genome position (GRCh38, 1-based): chr7:103,566,296, G>A on the plus strand (C>T on the coding strand, the complement: RELN is on the minus strand). VCF-style: chr7-103566296-G-A. GRCh37 (hg19) VCF-style: chr7-103206743-G-A.
Other names: c.4864C>T, p.Arg1622Ter (NM_173054.3); short protein forms R1622*.
Identifiers: ClinVar variation 1325004 (VCV001325004.5), dbSNP rs1451240853, ClinGen allele CA368747927.

ClinVar aggregate classification (germline): Pathogenic/Likely pathogenic. Review status: criteria provided, multiple submitters, no conflicts (2 of 4 stars). 2 submissions from 2 submitters: Pathogenic (1); Likely pathogenic (1). Last evaluated 2025-06-03.

Conditions:
Norman-Roberts syndrome (LIS2). Also called: Lissencephaly 2 (Norman-Roberts type). Identifiers: Orphanet 89844, MedGen C0796089, MONDO:0009760, OMIM 257320.
Familial temporal lobe epilepsy 7. Identifiers: Orphanet 101046, MedGen C4225327, MONDO:0014639, OMIM 616436.

Allele frequency attached by ClinVar (database versions not stated): TOPMed below 0.00001.

Submissions (2):

Labcorp Genetics (formerly Invitae), Labcorp
Classification: Pathogenic for Familial temporal lobe epilepsy 7; Norman-Roberts syndrome. Last evaluated: 2025-06-03. Review status: criteria provided, single submitter. Criteria: Invitae Variant Classification Sherloc (09022015). Collection method: clinical testing. Allele origin: germline.
Comment: This sequence change creates a premature translational stop signal (p.Arg1622*) in the RELN gene. It is expected to result in an absent or disrupted protein product. Loss-of-function variants in RELN are known to be pathogenic (PMID: 10973257, 26046367, 28454995). This variant is not present in population databases (gnomAD no frequency). This variant has not been reported in the literature in individuals affected with RELN-related conditions. ClinVar contains an entry for this variant (Variation ID: 1325004). Algorithms developed to predict the effect of sequence changes on RNA splicing suggest that this variant may disrupt the consensus splice site. For these reasons, this variant has been classified as Pathogenic.

Revvity Omics, Revvity
Classification: Likely pathogenic for Norman-Roberts syndrome. Last evaluated: 2021-06-11. Review status: criteria provided, single submitter. Criteria: ACMG Guidelines, 2015. Collection method: clinical testing. Allele origin: germline.

Literature cited by the submitters: PubMed 10973257 (cited by Labcorp Genetics (formerly Invitae), Labcorp); PubMed 26046367 (cited by Labcorp Genetics (formerly Invitae), Labcorp); PubMed 28454995 (cited by Labcorp Genetics (formerly Invitae), Labcorp).